The following is an entry in ClinVar:

ClinVar aggregate classification (germline): Uncertain significance (1 of 4 stars; one submission).

Conditions:
Familial cancer of breast. Also called: Hereditary breast cancer; hereditary breast carcinoma; BREAST CANCER, FAMILIAL. Identifiers: Orphanet 227535, MedGen C0346153, MONDO:0016419, OMIM 114480. Disease mechanism: loss of function.

gnomAD v4.1: 150 of 800,722 alleles (0.019%); highest among the groups gnomAD compares: East Asian, 0.36%; 1 homozygote.

Submission:

Labcorp Genetics (formerly Invitae), Labcorp
Classification: Uncertain significance for Familial cancer of breast. Last evaluated: 2025-12-30. Review status: criteria provided, single submitter. Criteria: Invitae Variant Classification Sherloc (09022015). Collection method: clinical testing. Allele origin: germline.
Comment: This sequence change falls in intron 3 of the BARD1 gene. It does not directly change the encoded amino acid sequence of the BARD1 protein. This variant is not present in population databases (gnomAD no frequency). This variant has not been reported in the literature in individuals affected with BARD1-related conditions. ClinVar contains an entry for this variant (Variation ID: 2185790). Studies have shown that this variant is associated with altered splicing resulting in multiple RNA products (internal data). In summary, the available evidence is currently insufficient to determine the role of this variant in disease. Therefore, it has been classified as a Variant of Uncertain Significance.

NM_000465.4(BARD1):c.365-111A>G

Gene: BARD1 (BRCA1 associated RING domain 1; minus strand). Cytogenetic location: 2q35.
Variant type: single nucleotide variant.
Coding change: c.365-111A>G on transcript NM_000465.4 (MANE Select); 111 bases into the intron before coding-DNA position 365, A replaced by G.
Molecular consequence: intron variant.
Genome position (GRCh38, 1-based): chr2:214,781,620, T>C on the plus strand (A>G on the coding strand, the complement: BARD1 is on the minus strand). VCF-style: chr2-214781620-T-C. GRCh37 (hg19) VCF-style: chr2-215646344-T-C.
Other names: c.158+27792A>G (NM_001282548.2); c.308-111A>G (NM_001282543.2); c.215+15441A>G (NM_001282545.2); c.364+10677A>G (NM_001282549.2).
Identifiers: ClinVar variation 2185790 (VCV002185790.4), dbSNP rs16852743, ClinGen allele CA64789383.
Genomic context (GRCh38, chr2:214,781,620, plus strand): 5'-ACATGGAGCTCCCGAAGAATTTTGTTTACAGTTCCCCTAAAGTGTATCATCTTTTAATTA[T>C]GTACTTCTTTCTCAGCTCCTAGAGTGTGAACTCTTTGATAGCAGATATTCACTCATTCAA-3'